The following is an entry in ClinVar:

NM_000112.4(SLC26A2):c.1258G>A (p.Ala420Thr)

Gene: SLC26A2 (solute carrier family 26 member 2; plus strand). Cytogenetic location: 5q32.
Variant type: single nucleotide variant.
Coding change: c.1258G>A on transcript NM_000112.4 (MANE Select); coding-DNA position 1258, G replaced by A.
Protein change: p.Ala420Thr; replaces alanine 420 with threonine.
Molecular consequence: missense variant.
Genome position (GRCh38, 1-based): chr5:149,980,851, G>A. VCF-style: chr5-149980851-G-A. GRCh37 (hg19) VCF-style: chr5-149360414-G-A.
Other names: short protein forms A420T.
Identifiers: ClinVar variation 4793506 (VCV004793506.1).

ClinVar aggregate classification (germline): Uncertain significance (1 of 4 stars; one submission).

Conditions:
Diastrophic dysplasia (DTD). Also called: Diastrophic dwarfism. Identifiers: Orphanet 628, MedGen C0220726, MONDO:0009107, OMIM 222600.
Multiple epiphyseal dysplasia type 4 (EDM4). Also called: Multiple Epiphyseal Dysplasia, Recessive; MULTIPLE EPIPHYSEAL DYSPLASIA WITH BILAYERED PATELLAE; MULTIPLE EPIPHYSEAL DYSPLASIA WITH CLUBFOOT; MULTIPLE EPIPHYSEAL DYSPLASIA, AUTOSOMAL RECESSIVE; SLC26A2-Related Multiple Epiphyseal Dysplasia. Identifiers: Orphanet 93307, MedGen C1847593, MONDO:0009189, OMIM 226900.
Achondrogenesis, type IB (ACG1B). Also called: Achondrogenesis Type 1B. Identifiers: Orphanet 932, Orphanet 93298, MedGen C0265274, MONDO:0010966, OMIM 600972.
Atelosteogenesis type II (AO2). Also called: NEONATAL OSSEOUS DYSPLASIA I; SLC26A2-Related Atelosteogenesis; Neonatal osseous dysplasia 1. Identifiers: Orphanet 56304, MedGen C1850554, MONDO:0009727, OMIM 256050.

Submission:

Labcorp Genetics (formerly Invitae), Labcorp
Classification: Uncertain significance for Atelosteogenesis type II; Multiple epiphyseal dysplasia type 4; Achondrogenesis, type IB; Diastrophic dysplasia. Last evaluated: 2025-07-08. Review status: criteria provided, single submitter. Criteria: Invitae Variant Classification Sherloc (09022015). Collection method: clinical testing. Allele origin: germline.
Comment: This sequence change replaces alanine, which is neutral and non-polar, with threonine, which is neutral and polar, at codon 420 of the SLC26A2 protein (p.Ala420Thr). This variant is not present in population databases (gnomAD no frequency). This variant has not been reported in the literature in individuals affected with SLC26A2-related conditions. Invitae Evidence Modeling of protein sequence and biophysical properties (such as structural, functional, and spatial information, amino acid conservation, physicochemical variation, residue mobility, and thermodynamic stability) indicates that this missense variant is expected to disrupt SLC26A2 protein function with a positive predictive value of 80%. In summary, the available evidence is currently insufficient to determine the role of this variant in disease. Therefore, it has been classified as a Variant of Uncertain Significance.